The following is an entry in ClinVar:

ClinVar aggregate classification (germline): Uncertain significance (1 of 4 stars; one submission).

Conditions:
Atrial septal defect 3 (ASD3). Identifiers: Orphanet 1478, MedGen C3279790, MONDO:0013567, OMIM 614089.

Submission:

Victorian Clinical Genetics Services, Murdoch Childrens Research Institute
Classification: Uncertain significance for Atrial septal defect 3. Last evaluated: 2022-02-02. Review status: criteria provided, single submitter. Criteria: ACMG Guidelines, 2015. Collection method: clinical testing. Allele origin: germline. Inheritance: Autosomal dominant inheritance. Affected: yes.
Comment: Based on the classification scheme VCGS_Germline_v1.3.4, this variant is classified as VUS-3B. Following criteria are met: 0105 - The mechanism of disease for this gene is not clearly established. (I) 0107 - This gene is associated with autosomal dominant disease. (I) 0112 - The condition associated with this gene has incomplete penetrance, reported in individuals with atrial septal defect (PMID: 22194935). (I) 0115 - Variants in this gene are known to have variable expressivity. Variable expressivity has been reported in individuals with atrial septal defect (PMID: 22194935). (I) 0200 - Variant is predicted to result in a missense amino acid change from leucine to proline. (I) 0251 - This variant is heterozygous. (I) 0301 - Variant is absent from gnomAD (both v2 and v3). (SP) 0501 - Missense variant consistently predicted to be damaging by multiple in silico tools and highly conserved with a moderate amino acid change. (SP) 0600 - Variant is located in the annotated coiled coil motif (DECIPHER). (I) 0705 - No comparable missense variants have previous evidence for pathogenicity. (I) 0807 - This variant has no previous evidence of pathogenicity. (I) 0905 - No published segregation evidence has been identified for this variant. (I) 1007 - No published functional evidence has been identified for this variant. (I) Legend: (SP) - Supporting pathogenic, (I) - Information, (SB) - Supporting benign

Literature cited by the submitters: PubMed 22194935.

NM_002471.4(MYH6):c.5555T>C (p.Leu1852Pro)

Gene: MYH6 (myosin heavy chain 6; minus strand). Cytogenetic location: 14q11.2.
Variant type: single nucleotide variant.
Coding change: c.5555T>C on transcript NM_002471.4 (MANE Select); coding-DNA position 5555, T replaced by C.
Protein change: p.Leu1852Pro; replaces leucine 1852 with proline.
Molecular consequence: missense variant.
Genome position (GRCh38, 1-based): chr14:23,384,452, A>G on the plus strand (T>C on the coding strand, the complement: MYH6 is on the minus strand). VCF-style: chr14-23384452-A-G. GRCh37 (hg19) VCF-style: chr14-23853661-A-G.
Other names: short protein forms L1852P.
Identifiers: ClinVar variation 1699416 (VCV001699416.3), dbSNP rs2138581208, ClinGen allele CA388983843.